The following is an entry in ClinVar:

ClinVar aggregate classification (germline): Likely pathogenic. Review status: criteria provided, multiple submitters, no conflicts (2 of 4 stars). 2 submissions from 2 submitters: Likely pathogenic (2). Last evaluated 2025-09-12.

Conditions:
Primary hyperoxaluria, type I (HP1). Also called: OXALOSIS I; Primary hyperoxaluria type 1; GLYCOLIC ACIDURIA; HEPATIC AGT DEFICIENCY. Identifiers: Orphanet 416, Orphanet 93598, MedGen C0268164, MONDO:0009823, OMIM 259900. Disease mechanism: loss of function.

Submissions (2):

Natera, Inc.
Classification: Likely pathogenic for Primary hyperoxaluria type I. Last evaluated: 2025-09-12. Review status: criteria provided, single submitter. Criteria: Natera Variant Classification Schema (03/2026). Collection method: clinical testing. Allele origin: germline.
Comment: The c.667A>C variant in AGXT is a missense variant predicted to cause substitution of serine to arginine at amino acid 223. This variant is rare in the general population with a frequency below the threshold expected for the associated phenotype(s). This variant has been observed in one or more individuals affected with the associated recessive disease, as either homozygous or compound heterozygous with a second variant (PMID: 30787879). Additionally, this variant has been observed to segregate in affected family members (PMID: 30787879). Computational prediction algorithms indicate this variant is likely to affect gene or protein function. Given the available evidence, this variant is classified as Likely Pathogenic.

Clinical Biochemistry Laboratory, Health Services Laboratory
Classification: Likely pathogenic for Primary hyperoxaluria, type I. Last evaluated: 2023-10-27. Review status: criteria provided, single submitter. Criteria: ACMG Guidelines, 2015. Collection method: curation. Allele origin: germline. Affected: yes.
Comment: ACMG:PM2 PM3 PP3 PP4

Literature cited by the submitters: PubMed 30787879 (cited by Natera, Inc. and Clinical Biochemistry Laboratory, Health Services Laboratory).

NM_000030.3(AGXT):c.667A>C (p.Ser223Arg)

Gene: AGXT (alanine--glyoxylate aminotransferase; plus strand). Cytogenetic location: 2q37.3.
Variant type: single nucleotide variant.
Coding change: c.667A>C on transcript NM_000030.3 (MANE Select); coding-DNA position 667, A replaced by C.
Protein change: p.Ser223Arg; replaces serine 223 with arginine.
Molecular consequence: missense variant.
Genome position (GRCh38, 1-based): chr2:240,874,049, A>C. VCF-style: chr2-240874049-A-C. GRCh37 (hg19) VCF-style: chr2-241813466-A-C.
Other names: short protein forms S223R.
Identifiers: ClinVar variation 2681182 (VCV002681182.2), dbSNP rs2528753327, ClinGen allele CA351317048.